The following is an entry in ClinVar:

NM_005883.3(APC2):c.4076C>T (p.Ala1359Val)

Gene: APC2 (APC regulator of Wnt signaling pathway 2; plus strand). Cytogenetic location: 19p13.3.
Variant type: single nucleotide variant.
Coding change: c.4076C>T on transcript NM_005883.3 (MANE Select); coding-DNA position 4076, C replaced by T.
Protein change: p.Ala1359Val; replaces alanine 1359 with valine.
Molecular consequence: missense variant.
Genome position (GRCh38, 1-based): chr19:1,467,377, C>T. VCF-style: chr19-1467377-C-T. GRCh37 (hg19) VCF-style: chr19-1467376-C-T.
Other names: c.4073C>T, p.Ala1358Val (NM_001351273.1); short protein forms A1358V, A1359V.
Identifiers: ClinVar variation 2428838 (VCV002428838.6), dbSNP rs954240452, ClinGen allele CA304078097.

ClinVar aggregate classification (germline): Uncertain significance. Review status: criteria provided, multiple submitters, no conflicts (2 of 4 stars). 3 submissions from 3 submitters: Uncertain significance (3). Last evaluated 2025-04-11.

Conditions:
Inborn genetic diseases. Identifiers: MedGen C0950123, MeSH D030342.

Allele frequency attached by ClinVar (database versions not stated): gnomAD 0.00011; TOPMed 0.00014.
gnomAD v4.1: 103 of 1,485,106 alleles (0.0069%); highest among the groups gnomAD compares: Admixed American, 0.026%; no homozygotes.

Submissions (3):

Ambry Genetics
Classification: Uncertain significance for Inborn genetic diseases. Last evaluated: 2025-04-11. Review status: criteria provided, single submitter. Criteria: Ambry Variant Classification Scheme 2023. Collection method: clinical testing. Allele origin: germline.

Women's Health and Genetics/Laboratory Corporation of America, LabCorp
Classification: Uncertain significance. Last evaluated: 2024-01-22. Review status: criteria provided, single submitter. Criteria: LabCorp Variant Classification Summary - May 2015. Collection method: clinical testing. Allele origin: germline.
Comment: Variant summary: APC2 c.4076C>T (p.Ala1359Val) results in a non-conservative amino acid change in the encoded protein sequence. Three of five in-silico tools predict a damaging effect of the variant on protein function. The variant allele was found at a frequency of 4.5e-05 in 89100 control chromosomes. The available data on variant occurrences in the general population are insufficient to allow any conclusion about variant significance. To our knowledge, no occurrence of c.4076C>T in individuals affected with APC2-Related Disorders and no experimental evidence demonstrating its impact on protein function have been reported. ClinVar contains an entry for this variant (Variation ID: 2428838). Based on the evidence outlined above, the variant was classified as uncertain significance.

GeneDx
Classification: Uncertain significance. Last evaluated: 2022-08-05. Review status: criteria provided, single submitter. Criteria: GeneDx Variant Classification Process June 2021. Collection method: clinical testing. Allele origin: germline. Affected: yes.
Comment: In silico analysis supports that this missense variant does not alter protein structure/function; Has not been previously published as pathogenic or benign to our knowledge